The following is an entry in ClinVar:

ClinVar aggregate classification (germline): Benign/Likely benign. Review status: criteria provided, multiple submitters, no conflicts (2 of 4 stars). 10 submissions from 10 submitters: Benign (8); Likely benign (1). 1 of the submissions does not count toward it. Last evaluated 2026-02-04.

Conditions:
Hereditary cancer-predisposing syndrome. Also called: Neoplastic Syndromes, Hereditary; Hereditary neoplastic syndrome; Tumor predisposition; Hereditary Cancer Syndrome. Identifiers: Orphanet 140162, MedGen C0027672, MeSH D009386, MONDO:0015356.
Hereditary breast ovarian cancer syndrome. Also called: BRCA1- and BRCA2-Associated Hereditary Breast and Ovarian Cancer; Hereditary breast and/or ovarian cancer syndrome; Hereditary breast and ovarian cancer syndrome (HBOC); Hereditary breast and ovarian cancer syndrome; Hereditary breast and ovarian cancer; Breast and ovarian cancer. Identifiers: Orphanet 145, MedGen C0677776, MeSH D061325, MONDO:0003582. Disease mechanism: loss of function.
Breast carcinoma. Also called: Carcinoma of breast. Identifiers: MedGen C0678222, MONDO:0004989, HP:0003002.
Familial cancer of breast. Also called: hereditary breast carcinoma; Hereditary breast cancer; BREAST CANCER, FAMILIAL. Identifiers: Orphanet 227535, MedGen C0346153, MONDO:0016419, OMIM 114480. Disease mechanism: loss of function.

Submissions (10):

Labcorp Genetics (formerly Invitae), Labcorp
Classification: Benign for Familial cancer of breast. Last evaluated: 2026-02-04. Review status: criteria provided, single submitter. Criteria: Invitae Variant Classification Sherloc (09022015). Collection method: clinical testing. Allele origin: germline.

ARUP Laboratories, Molecular Genetics and Genomics, ARUP Laboratories
Classification: Benign for Familial cancer of breast. Last evaluated: 2025-07-30. Review status: criteria provided, single submitter. Criteria: ARUP Molecular Germline Variant Investigation Process 2024. Collection method: clinical testing. Allele origin: germline.

Ambry Genetics
Classification: Likely benign for Hereditary cancer-predisposing syndrome. Last evaluated: 2025-06-03. Review status: criteria provided, single submitter. Criteria: Ambry Variant Classification Scheme 2023. Collection method: clinical testing. Allele origin: germline.

Myriad Genetics, Inc.
Classification: Benign for Familial cancer of breast. Last evaluated: 2024-07-25. Review status: criteria provided, single submitter. Criteria: Myriad Autosomal Dominant, Autosomal Recessive and X-Linked Classification Criteria (2023). Collection method: clinical testing. Allele origin: unknown.
Comment: This variant is considered benign. This variant has been observed at a population frequency that is significantly greater than expected given the associated disease prevalence and penetrance.

KCCC/NGS Laboratory, Kuwait Cancer Control Center
Classification: Benign for Familial cancer of breast. Last evaluated: 2023-07-07. Review status: criteria provided, single submitter. Criteria: ACMG Guidelines, 2015. Collection method: clinical testing. Allele origin: germline. Affected: yes.

National Health Laboratory Service, Universitas Academic Hospital and University of the Free State
Classification: Benign for Hereditary breast ovarian cancer syndrome. Last evaluated: 2022-04-19. Review status: criteria provided, single submitter. Criteria: ACMG Guidelines, 2015. Collection method: clinical testing. Allele origin: germline. Affected: yes. Observed: 158 variant alleles.

Institute of Human Genetics, University of Leipzig Medical Center
Classification: Benign for Familial cancer of breast. Last evaluated: 2019-01-01. Review status: criteria provided, single submitter. Criteria: ACMG Guidelines, 2015. Collection method: clinical testing. Allele origin: unknown. Affected: yes.

PreventionGenetics, part of Exact Sciences
Classification: Benign. Last evaluated: 2016-10-03. Review status: criteria provided, single submitter. Criteria: ACMG Guidelines, 2015. Collection method: clinical testing. Allele origin: germline.

Color Diagnostics, LLC DBA Color Health
Classification: Benign for Hereditary cancer-predisposing syndrome. Last evaluated: 2015-07-10. Review status: criteria provided, single submitter. Criteria: ACMG Guidelines, 2015. Collection method: clinical testing. Allele origin: germline.

Medical Genetics Laboratory, Umraniye Training and Research Hospital, University of Health Sciences
Classification: Uncertain significance for Breast carcinoma. Last evaluated: 2021-08-20. Review status: no assertion criteria provided. Collection method: clinical testing. Allele origin: germline. Affected: yes. Observed: 1 variant allele, 1 heterozygote. Not counted in ClinVar's aggregate classification.
Comment: Invasive Ductal Carcinoma Estrogen Receptor: Positive Progesterone Receptor: Positive HER2 Receptor: Positive

NM_000465.3(BARD1):c.1518_1519invTG (p.Val507Met)

Gene: BARD1 (BRCA1 associated RING domain 1; minus strand). Cytogenetic location: 2q35.
Variant type: Inversion.
Coding change: c.1518_1519invTG on transcript NM_000465.3.
Protein change: p.Val507Met; replaces valine 507 with methionine.
Molecular consequence: missense variant (on NM_000465.4). On other transcripts: non-coding transcript variant (3), intron variant (3).
Genome position: GRCh38 VCF-style: chr2-214767531-CA-TG. GRCh37 (hg19) VCF-style: chr2-215632255-CA-TG.
Other names: c.1518_1519inv (NM_000465.3); c.1518_1519inv, p.Val507Met (NM_000465.4); c.1461_1462inv, p.Val488Met (NM_001282543.2); c.159-14977_159-14976inv (NM_001282548.2); c.216-14977_216-14976inv (NM_001282545.2); c.364+24765_364+24766inv (NM_001282549.2); c.1518_1519delinsCA (NM_000465.4, NM_000465.3); short protein forms V488M, V507M.
Identifiers: ClinVar variation 215471 (VCV000215471.38), ClinGen allele CA337923.